The following is an entry in ClinVar:

ClinVar aggregate classification (germline): Likely benign (0 of 4 stars; one submission).

Conditions:
AASS-related disorder. Also called: AASS-related condition.

Allele frequency attached by ClinVar (database versions not stated): ExAC 0.00001; gnomAD exomes 0.00001; TOPMed 0.00002; gnomAD 0.00003.
gnomAD v4.1: 22 of 1,613,544 alleles (0.0014%); highest among the groups gnomAD compares: African/African-American, 0.017%; no homozygotes.

Submission:

PreventionGenetics, part of Exact Sciences
Classification: Likely benign for AASS-related condition. Last evaluated: 2019-05-29. Review status: no assertion criteria provided. Collection method: clinical testing. Allele origin: germline.
Comment: This variant is classified as likely benign based on ACMG/AMP sequence variant interpretation guidelines (Richards et al. 2015 PMID: 25741868, with internal and published modifications).

NM_005763.4(AASS):c.-9G>A

Gene: AASS (aminoadipate-semialdehyde synthase; minus strand). Cytogenetic location: 7q31.32.
Variant type: single nucleotide variant.
Coding change: c.-9G>A on transcript NM_005763.4 (MANE Select); 9 bases upstream of the start codon, G replaced by A.
Molecular consequence: 5 prime UTR variant.
Genome position (GRCh38, 1-based): chr7:122,133,735, C>T on the plus strand (G>A on the coding strand, the complement: AASS is on the minus strand). VCF-style: chr7-122133735-C-T. GRCh37 (hg19) VCF-style: chr7-121773789-C-T.
Identifiers: ClinVar variation 3044025 (VCV003044025.2), dbSNP rs143442714, ClinGen allele CA4458763.